The following is an entry in ClinVar:

NM_018979.4(WNK1):c.4580A>G (p.His1527Arg)

Gene: WNK1 (WNK lysine deficient protein kinase 1; plus strand). Cytogenetic location: 12p13.33.
Variant type: single nucleotide variant.
Coding change: c.4580A>G on transcript NM_018979.4 (MANE Select); coding-DNA position 4580, A replaced by G.
Protein change: p.His1527Arg; replaces histidine 1527 with arginine.
Molecular consequence: missense variant.
Genome position (GRCh38, 1-based): chr12:885,384, A>G. VCF-style: chr12-885384-A-G. GRCh37 (hg19) VCF-style: chr12-994550-A-G.
Other names: c.5360A>G, p.His1787Arg (NM_001184985.2); c.3839A>G, p.His1280Arg (NM_014823.3); c.5336A>G, p.His1779Arg (NM_213655.5); c.5336A>G (NM_213655.4); c.4580A>G (NM_018979.3); short protein forms H1280R, H1527R, H1779R, H1787R.
Identifiers: ClinVar variation 3190616 (VCV003190616.2), dbSNP rs375717084, ClinGen allele CA6383000.
Genomic context (GRCh38, chr12:885,384, plus strand): 5'-TTCAGCTTAGCAGCAGTACTTCTACTCCTACTTTAGCTGAAACCGTGGTAGTTAGCGCAC[A>G]CTCACTAGATAAGACATCTCATAGCAGTACAACTGGATTGGCTTTCTCCCTCTCTGCACC-3'
Protein context (NP_061852.3, residues 1517-1537): TLAETVVVSA[His1527Arg]SLDKTSHSST

ClinVar aggregate classification (germline): Conflicting classifications of pathogenicity. Review status: criteria provided, conflicting classifications (1 of 4 stars). 2 submissions from 2 submitters: Uncertain significance (1); Likely benign (1). Last evaluated 2025-09-26.

Conditions:
WNK1-related disorder. Also called: WNK1-related condition.
Inborn genetic diseases. Identifiers: MedGen C0950123, MeSH D030342.

Allele frequency attached by ClinVar (database versions not stated): ESP Exome Variant Server 0.00008; gnomAD 0.00011; gnomAD exomes 0.00011; 1000 Genomes Project 30x 0.00016; 1000 Genomes Project 0.00020; ExAC 0.00026.

Submissions (2):

PreventionGenetics, part of Exact Sciences
Classification: Likely benign for WNK1-related condition. Last evaluated: 2025-09-26. Review status: criteria provided, single submitter. Criteria: ACMG Guidelines, 2015. Collection method: clinical testing. Allele origin: germline.
Comment: This variant is classified as likely benign based on ACMG/AMP sequence variant interpretation guidelines (Richards et al. 2015 PMID: 25741868, with internal and published modifications).

Ambry Genetics
Classification: Uncertain significance for Inborn genetic diseases. Last evaluated: 2023-12-11. Review status: criteria provided, single submitter. Criteria: Ambry Variant Classification Scheme 2023. Collection method: clinical testing. Allele origin: germline.